The following is an entry in ClinVar:

NM_020928.2(ZSWIM6):c.464C>T (p.Ser155Phe)

Gene: ZSWIM6 (zinc finger SWIM-type containing 6; plus strand). Cytogenetic location: 5q12.1.
Variant type: single nucleotide variant.
Coding change: c.464C>T on transcript NM_020928.2 (MANE Select); coding-DNA position 464, C replaced by T.
Protein change: p.Ser155Phe; replaces serine 155 with phenylalanine.
Molecular consequence: missense variant.
Genome position (GRCh38, 1-based): chr5:61,332,736, C>T. VCF-style: chr5-61332736-C-T. GRCh37 (hg19) VCF-style: chr5-60628563-C-T.
Other names: c.464C>T (NM_020928.1); short protein forms S155F.
Identifiers: ClinVar variation 1604894 (VCV001604894.12), dbSNP rs1288894654, ClinGen allele CA359940769.

ClinVar aggregate classification (germline): Conflicting classifications of pathogenicity. Review status: criteria provided, conflicting classifications (1 of 4 stars). 3 submissions from 3 submitters: Uncertain significance (1); Likely benign (2). Last evaluated 2026-06-01.

Conditions:
Inborn genetic diseases. Identifiers: MedGen C0950123, MeSH D030342.

Allele frequency attached by ClinVar (database versions not stated): gnomAD exomes 0.00008; gnomAD 0.00013 and 0.00001.
gnomAD v4.1: 82 of 950,850 alleles (0.0086%); highest among the groups gnomAD compares: South Asian, 0.35%; no homozygotes.

Submissions (3):

CeGaT Center for Human Genetics Tuebingen
Classification: Likely benign. Last evaluated: 2026-06-01. Review status: criteria provided, single submitter. Criteria: CeGaT Center For Human Genetics Tuebingen Variant Classification Criteria Version 2. Collection method: clinical testing. Allele origin: germline. Affected: yes. Observed: 1 variant allele.
Comment: ZSWIM6: BS2

Ambry Genetics
Classification: Uncertain significance for Inborn genetic diseases. Last evaluated: 2025-08-13. Review status: criteria provided, single submitter. Criteria: Ambry Variant Classification Scheme 2023. Collection method: clinical testing. Allele origin: germline.

Labcorp Genetics (formerly Invitae), Labcorp
Classification: Likely benign. Last evaluated: 2025-02-23. Review status: criteria provided, single submitter. Criteria: Invitae Variant Classification Sherloc (09022015). Collection method: clinical testing. Allele origin: germline.